The following is an entry in ClinVar:

NM_197968.4(ZMYM2):c.3318A>G (p.Leu1106=)

Gene: ZMYM2 (zinc finger MYM-type containing 2; plus strand). Cytogenetic location: 13q12.11.
Variant type: single nucleotide variant.
Coding change: c.3318A>G on transcript NM_197968.4 (MANE Select); coding-DNA position 3318, A replaced by G.
Protein change: p.Leu1106=; no amino-acid change (leucine 1106 retained).
Molecular consequence: synonymous variant. On other transcripts: non-coding transcript variant (1).
Genome position (GRCh38, 1-based): chr13:20,067,255, A>G. VCF-style: chr13-20067255-A-G. GRCh37 (hg19) VCF-style: chr13-20641395-A-G.
Other names: c.3318A>G, p.Leu1106= (NM_001190964.4, NM_001190965.4, NM_001353157.2 and 5 more transcripts); c.3123A>G, p.Leu1041= (NM_001353161.3); c.3057A>G, p.Leu1019= (NM_001353163.2).
Identifiers: ClinVar variation 4534092 (VCV004534092.7).

ClinVar aggregate classification (germline): Likely benign. Review status: criteria provided, multiple submitters, no conflicts (2 of 4 stars). 2 submissions from 2 submitters: Likely benign (2). Last evaluated 2025-10-01.

gnomAD v4.1: 22 of 1,555,474 alleles (0.0014%); highest among the groups gnomAD compares: African/African-American, 0.018%; no homozygotes.

Submissions (2):

CeGaT Center for Human Genetics Tuebingen
Classification: Likely benign. Last evaluated: 2025-10-01. Review status: criteria provided, single submitter. Criteria: CeGaT Center For Human Genetics Tuebingen Variant Classification Criteria Version 2. Collection method: clinical testing. Allele origin: germline. Affected: yes. Observed: 1 variant allele.
Comment: ZMYM2: BP4, BP7

Blueprint Genetics
Classification: Likely benign. Last evaluated: 2023-07-27. Review status: criteria provided, single submitter. Criteria: ACMG Guidelines, 2015. Collection method: clinical testing. Allele origin: germline.